The following is an entry in ClinVar:

NM_001267550.2(TTN):c.3415T>C (p.Cys1139Arg)

Gene: TTN (titin; minus strand). Cytogenetic location: 2q31.2.
Variant type: single nucleotide variant.
Coding change: c.3415T>C on transcript NM_001267550.2 (MANE Select); coding-DNA position 3415, T replaced by C.
Protein change: p.Cys1139Arg; replaces cysteine 1139 with arginine.
Molecular consequence: missense variant.
Genome position (GRCh38, 1-based): chr2:178,781,229, A>G on the plus strand (T>C on the coding strand, the complement: TTN is on the minus strand). VCF-style: chr2-178781229-A-G. GRCh37 (hg19) VCF-style: chr2-179645956-A-G.
Other names: c.3277T>C, p.Cys1093Arg (NM_003319.4, NM_133432.3, NM_133437.4); c.3415T>C, p.Cys1139Arg (NM_001256850.1, NM_133378.4, NM_133379.5); short protein forms C1093R, C1139R.
Identifiers: ClinVar variation 518561 (VCV000518561.5), dbSNP rs1554015395, ClinGen allele CA349483628.

ClinVar aggregate classification (germline): Uncertain significance (1 of 4 stars; one submission).

Conditions:
Cardiovascular phenotype. Identifiers: MedGen CN230736.

Submission:

Ambry Genetics
Classification: Uncertain significance for Cardiovascular phenotype. Last evaluated: 2016-09-02. Review status: criteria provided, single submitter. Criteria: Ambry Variant Classification Scheme 2023. Collection method: clinical testing. Allele origin: germline.
Comment: The p.C1093R variant (also known as c.3277T>C), located in coding exon 19 of the TTN gene, results from a T to C substitution at nucleotide position 3277. The cysteine at codon 1093 is replaced by arginine, an amino acid with highly dissimilar properties, and is located in the near Z-disk region of the N2-B isoform of the titin protein. This variant was not reported in population based cohorts in the following databases: Database of Single Nucleotide Polymorphisms (dbSNP), NHLBI Exome Sequencing Project (ESP), and 1000 Genomes Project. In the ESP, this variant was not observed in 6503 samples (13006 alleles) with coverage at this position. This amino acid position is highly conserved in available vertebrate species. In addition, the in silico prediction for this alteration is inconclusive. Since supporting evidence is limited at this time, the clinical significance of this alteration remains unclear.